The following is an entry in ClinVar:

NM_001008212.2(OPTN):c.194T>C (p.Met65Thr)

Genes: OPTN (optineurin; plus strand), LOC108903148 (10p13 OPTN distal Alu-mediated recombination region; plus strand). Cytogenetic location: 10p13.
Variant type: single nucleotide variant.
Coding change: c.194T>C on transcript NM_001008212.2 (MANE Select); coding-DNA position 194, T replaced by C.
Protein change: p.Met65Thr; replaces methionine 65 with threonine.
Molecular consequence: missense variant.
Genome position (GRCh38, 1-based): chr10:13,110,301, T>C. VCF-style: chr10-13110301-T-C. GRCh37 (hg19) VCF-style: chr10-13152301-T-C.
Other names: c.194T>C, p.Met65Thr (NM_001008211.1, NM_001008213.1, NM_021980.4); short protein forms M65T.
Identifiers: ClinVar variation 2078827 (VCV002078827.4), dbSNP rs2539036228, ClinGen allele CA376027358.

ClinVar aggregate classification (germline): Uncertain significance (1 of 4 stars; one submission).

Conditions:
Glaucoma 1, open angle, E. Identifiers: MedGen C1842026, MONDO:0007665.
Amyotrophic lateral sclerosis type 12 (ALS12). Also called: AMYOTROPHIC LATERAL SCLEROSIS 12 WITH OR WITHOUT FRONTOTEMPORAL DEMENTIA. Identifiers: Orphanet 803, MedGen C3150692, MONDO:0013264, OMIM 613435.
Primary open angle glaucoma (POAG). Also called: OPTN-related open angle glaucoma. Identifiers: MedGen C0339573, MONDO:0100553, OMIM 137760.

Allele frequency attached by ClinVar (database versions not stated): gnomAD exomes 0.00001.

Submission:

Labcorp Genetics (formerly Invitae), Labcorp
Classification: Uncertain significance for Primary open angle glaucoma; Glaucoma 1, open angle, E; Amyotrophic lateral sclerosis type 12. Last evaluated: 2022-12-06. Review status: criteria provided, single submitter. Criteria: Invitae Variant Classification Sherloc (09022015). Collection method: clinical testing. Allele origin: germline.
Comment: This sequence change replaces methionine, which is neutral and non-polar, with threonine, which is neutral and polar, at codon 65 of the OPTN protein (p.Met65Thr). This variant has not been reported in the literature in individuals affected with OPTN-related conditions. This variant is not present in population databases (gnomAD no frequency). In summary, the available evidence is currently insufficient to determine the role of this variant in disease. Therefore, it has been classified as a Variant of Uncertain Significance. Advanced modeling of protein sequence and biophysical properties (such as structural, functional, and spatial information, amino acid conservation, physicochemical variation, residue mobility, and thermodynamic stability) performed at Invitae indicates that this missense variant is expected to disrupt OPTN protein function.